The following is an entry in ClinVar:

ClinVar aggregate classification (germline): Pathogenic (1 of 4 stars; one submission).

Submission:

GeneDx
Classification: Pathogenic. Last evaluated: 2024-07-22. Review status: criteria provided, single submitter. Criteria: GeneDx Variant Classification Process June 2021. Collection method: clinical testing. Allele origin: germline. Affected: yes.
Comment: Nonsense variant predicted to result in protein truncation or nonsense mediated decay in a gene for which loss of function is a known mechanism of disease; Not observed at significant frequency in large population cohorts (gnomAD); This variant is associated with the following publications: (PMID: 35469323, 33057194, 37010288, 35982159, 31785789, 29276005, 33504798)

NM_015107.3(PHF8):c.1957C>T (p.Arg653Ter)

Gene: PHF8 (PHD finger protein 8; minus strand). Cytogenetic location: Xp11.22.
Variant type: single nucleotide variant.
Coding change: c.1957C>T on transcript NM_015107.3 (MANE Select); coding-DNA position 1957, C replaced by T.
Protein change: p.Arg653Ter; replaces arginine 653 with a stop codon.
Molecular consequence: nonsense.
Genome position (GRCh38, 1-based): chrX:53,987,116, G>A on the plus strand (C>T on the coding strand, the complement: PHF8 is on the minus strand). VCF-style: chrX-53987116-G-A. GRCh37 (hg19) VCF-style: chrX-54013549-G-A.
Other names: c.2065C>T, p.Arg689Ter (NM_001184896.1); c.1654C>T, p.Arg552Ter (NM_001184897.2); c.1957C>T, p.Arg653Ter (NM_001184898.2); short protein forms R552*, R653*, R689*.
Identifiers: ClinVar variation 3600622 (VCV003600622.1).